The following is an entry in ClinVar:

ClinVar aggregate classification (germline): Uncertain significance (1 of 4 stars; one submission).

Allele frequency attached by ClinVar (database versions not stated): gnomAD exomes below 0.00001; TOPMed below 0.00001.
gnomAD v4.1: 4 of 1,591,946 alleles (0.00025%); highest among the groups gnomAD compares: Non-Finnish European, 0.00034%; no homozygotes.

Submission:

GeneDx
Classification: Uncertain significance. Last evaluated: 2021-04-26. Review status: criteria provided, single submitter. Criteria: GeneDx Variant Classification Process June 2021. Collection method: clinical testing. Allele origin: germline. Affected: yes.
Comment: Has not been previously published as pathogenic or benign to our knowledge; In-silico analysis, which includes splice predictors and evolutionary conservation, is inconclusive as to whether the variant alters gene splicing. In the absence of RNA/functional studies, the actual effect of this sequence change is unknown.

NM_001267550.2(TTN):c.35228-3A>G

Gene: TTN (titin; minus strand). Cytogenetic location: 2q31.2.
Variant type: single nucleotide variant.
Coding change: c.35228-3A>G on transcript NM_001267550.2 (MANE Select); 3 bases into the intron before coding-DNA position 35228, A replaced by G.
Molecular consequence: intron variant.
Genome position (GRCh38, 1-based): chr2:178,671,173, T>C on the plus strand (A>G on the coding strand, the complement: TTN is on the minus strand). VCF-style: chr2-178671173-T-C. GRCh37 (hg19) VCF-style: chr2-179535900-T-C.
Other names: c.13283-28856A>G (NM_003319.4); c.13859-28856A>G (NM_133437.4); c.13658-28856A>G (NM_133432.3); c.31325-3A>G (NM_133378.4); c.34106-3A>G (NM_001256850.1).
Identifiers: ClinVar variation 1314826 (VCV001314826.2), dbSNP rs1387720503, ClinGen allele CA538094090.